The following is an entry in ClinVar:

NM_001365951.3(KIF1B):c.3864+6A>C

Gene: KIF1B (kinesin family member 1B; plus strand). Cytogenetic location: 1p36.22.
Variant type: single nucleotide variant.
Coding change: c.3864+6A>C on transcript NM_001365951.3 (MANE Select); 6 bases into the intron after coding-DNA position 3864, A replaced by C.
Molecular consequence: intron variant.
Genome position (GRCh38, 1-based): chr1:10,347,833, A>C. VCF-style: chr1-10347833-A-C. GRCh37 (hg19) VCF-style: chr1-10407891-A-C.
Other names: c.3726+6A>C (NM_015074.3); c.3864+6A>C (NM_001365952.1).
Identifiers: ClinVar variation 291575 (VCV000291575.31), dbSNP rs114266141, ClinGen allele CA581898.

ClinVar aggregate classification (germline): Benign/Likely benign. Review status: criteria provided, multiple submitters, no conflicts (2 of 4 stars). 6 submissions from 6 submitters: Benign (4); Likely benign (2). Last evaluated 2026-02-03.

Conditions:
Charcot-Marie-Tooth disease. Also called: Charcot-Marie-Tooth Neuropathy; Charcot-Marie-Tooth Hereditary Neuropathy. Identifiers: Orphanet 166, MedGen C0007959, MONDO:0015626.
Charcot-Marie-Tooth disease type 2. Also called: Charcot-Marie-Tooth type 2. Identifiers: Orphanet 64746, MedGen C0270914, MONDO:0018993.
Neuroblastoma (NB). Identifiers: Orphanet 635, MedGen C0027819, MeSH D009447, MONDO:0005072, HP:0003006.

Allele frequency attached by ClinVar (database versions not stated): gnomAD 0.00681 and 0.00716; ESP Exome Variant Server 0.00884; 1000 Genomes Project 30x 0.00906; gnomAD exomes 0.00081 and 0.00207; ExAC 0.00237; TOPMed 0.00746; 1000 Genomes Project 0.00819.
gnomAD v4.1: 2,289 of 1,608,656 alleles (0.14%); highest among the groups gnomAD compares: African/African-American, 2.3%; 18 homozygotes.

Submissions (6):

Labcorp Genetics (formerly Invitae), Labcorp
Classification: Benign for Charcot-Marie-Tooth disease type 2. Last evaluated: 2026-02-03. Review status: criteria provided, single submitter. Criteria: Invitae Variant Classification Sherloc (09022015). Collection method: clinical testing. Allele origin: germline.

Dasa
Classification: Benign. Last evaluated: 2025-11-21. Review status: criteria provided, single submitter. Criteria: DASA Assertion Criteria. Collection method: clinical testing. Allele origin: germline.
Comment: NM_001365951.3(KIF1B):c.3864+6A>C is a splice-region variant. Population frequency is inconsistent with a disease-causing role for this variant, and observations in unaffected individuals support a benign interpretation. Computational prediction algorithms are consistent with a benign effect. Therefore, based on the currently available evidence, this variant is classified as benign.

ARUP Laboratories, Molecular Genetics and Genomics, ARUP Laboratories
Classification: Benign. Last evaluated: 2022-09-13. Review status: criteria provided, single submitter. Criteria: ARUP Molecular Germline Variant Investigation Process 2021. Collection method: clinical testing. Allele origin: germline.

Illumina Laboratory Services, Illumina
Classification: Benign for Neuroblastoma. Last evaluated: 2018-01-13. Review status: criteria provided, single submitter. Criteria: ICSL Variant Classification Criteria 13 December 2019. Collection method: clinical testing. Allele origin: germline.
Comment: This variant was observed in the ICSL laboratory as part of a predisposition screen in an ostensibly healthy population. It had not been previously curated by ICSL or reported in the Human Gene Mutation Database (HGMD: prior to June 1st, 2018), and was therefore a candidate for classification through an automated scoring system. Utilizing variant allele frequency, disease prevalence and penetrance estimates, and inheritance mode, an automated score was calculated to assess if this variant is too frequent to cause the disease. Based on the score and internal cut-off values, a variant classified as benign is not then subjected to further curation. The score for this variant resulted in a classification of benign for this disease.

Breakthrough Genomics
Classification: Likely benign. Review status: criteria provided, single submitter. Criteria: ACMG Guidelines, 2015. Collection method: not provided. Allele origin: germline. Inheritance: Autosomal dominant inheritance. Affected: yes.

Molecular Genetics Laboratory, London Health Sciences Centre
Classification: Likely benign for Charcot-Marie-Tooth disease. Review status: criteria provided, single submitter. Criteria: ACMG Guidelines, 2015. Collection method: clinical testing. Allele origin: germline. Affected: yes.